The following is an entry in ClinVar:

ClinVar aggregate classification (germline): Pathogenic (1 of 4 stars; one submission).

Conditions:
Ataxia - intellectual disability - oculomotor apraxia - cerebellar cysts syndrome. Also called: Poretti-Boltshauser syndrome. Identifiers: Orphanet 370022, MedGen C4014821, MONDO:0014419, OMIM 615960.

Submission:

3billion
Classification: Pathogenic for Ataxia - intellectual disability - oculomotor apraxia - cerebellar cysts syndrome. Last evaluated: 2025-04-01. Review status: criteria provided, single submitter. Criteria: ACMG Guidelines, 2015. Collection method: clinical testing. Allele origin: germline. Affected: yes.
Comment: The variant is not observed in the gnomAD v4.1.0 dataset. Predicted Consequence/Location: Frameshift: predicted to result in a loss or disruption of normal protein function through nonsense-mediated decay (NMD) or protein truncation. Multiple pathogenic variants are reported downstream of the variant.The variant was homozygous . Therefore, this variant is classified as Pathogenic according to the recommendation of ACMG/AMP guideline.

NM_005559.4(LAMA1):c.3381dup (p.Gln1128fs)

Gene: LAMA1 (laminin subunit alpha 1; minus strand). Cytogenetic location: 18p11.31.
Variant type: Duplication.
Coding change: c.3381dup on transcript NM_005559.4 (MANE Select); coding-DNA position 3381, one base duplicated (T; older notation c.3381dupT).
Protein change: p.Gln1128fs; shifts the reading frame from glutamine 1128.
Molecular consequence: frameshift variant.
Genome position (GRCh38, 1-based): chr18:7,012,121, A duplicated on the plus strand (T on the coding strand, the reverse complement: LAMA1 is on the minus strand). VCF-style (leftmost placement, unchanged base first): chr18-7012120-G-GA. GRCh37 (hg19) VCF-style: chr18-7012119-G-GA.
Other names: short protein forms Q1128fs.
Identifiers: ClinVar variation 4292266 (VCV004292266.1).